The following is an entry in ClinVar:

NM_004304.5(ALK):c.2462G>T (p.Gly821Val)

Gene: ALK (ALK receptor tyrosine kinase; minus strand). Cytogenetic location: 2p23.2.
Variant type: single nucleotide variant.
Coding change: c.2462G>T on transcript NM_004304.5 (MANE Select); coding-DNA position 2462, G replaced by T.
Protein change: p.Gly821Val; replaces glycine 821 with valine.
Molecular consequence: missense variant.
Genome position (GRCh38, 1-based): chr2:29,233,590, C>A on the plus strand (G>T on the coding strand, the complement: ALK is on the minus strand). VCF-style: chr2-29233590-C-A. GRCh37 (hg19) VCF-style: chr2-29456456-C-A.
Other names: short protein forms G821V.
Identifiers: ClinVar variation 1791654 (VCV001791654.2), dbSNP rs2465989632, ClinGen allele CA346472134.

ClinVar aggregate classification (germline): Uncertain significance (1 of 4 stars; one submission).

Conditions:
Hereditary cancer-predisposing syndrome. Also called: Hereditary Cancer Syndrome; Hereditary neoplastic syndrome; Tumor predisposition; Neoplastic Syndromes, Hereditary. Identifiers: Orphanet 140162, MedGen C0027672, MeSH D009386, MONDO:0015356.

Submission:

Ambry Genetics
Classification: Uncertain significance for Hereditary cancer-predisposing syndrome. Last evaluated: 2022-05-11. Review status: criteria provided, single submitter. Criteria: Ambry Variant Classification Scheme 2023. Collection method: clinical testing. Allele origin: germline.
Comment: The p.G821V variant (also known as c.2462G>T), located in coding exon 14 of the ALK gene, results from a G to T substitution at nucleotide position 2462. The glycine at codon 821 is replaced by valine, an amino acid with dissimilar properties. This amino acid position is conserved. In addition, the in silico prediction for this alteration is inconclusive. Since supporting evidence is limited at this time, the clinical significance of this alteration remains unclear.